The following is an entry in ClinVar:

ClinVar aggregate classification (germline): Likely benign. Review status: criteria provided, multiple submitters, no conflicts (2 of 4 stars). 4 submissions from 4 submitters: Likely benign (3). 1 of the submissions does not count toward it. Last evaluated 2026-01-10.

Conditions:
POLE-related disorder. Also called: POLE-related disorders; POLE-related condition.
POLD1-related polyposis and colorectal cancer syndrome (CRCS10). Also called: Colorectal cancer, susceptibility to, 10; Colorectal cancer 10; COLORECTAL CANCER, SUSCEPTIBILITY TO, ON CHROMOSOME 19q. Identifiers: Orphanet 220460, MedGen C2675481, MONDO:0012953, OMIM 612591.

Allele frequency attached by ClinVar (database versions not stated): ExAC 0.00001; gnomAD 0.00001; TOPMed 0.00002.
gnomAD v4.1: 42 of 1,612,852 alleles (0.0026%); highest among the groups gnomAD compares: Non-Finnish European, 0.0033%; no homozygotes.

Submissions (4):

Labcorp Genetics (formerly Invitae), Labcorp
Classification: Likely benign. Last evaluated: 2026-01-10. Review status: criteria provided, single submitter. Criteria: Invitae Variant Classification Sherloc (09022015). Collection method: clinical testing. Allele origin: germline.

Molecular Pathology, Peter Maccallum Cancer Centre
Classification: Likely benign for POLD1-related polyposis and colorectal cancer syndrome. Last evaluated: 2024-02-23. Review status: criteria provided, single submitter. Criteria: ACMG Guidelines, 2015. Collection method: clinical testing. Allele origin: germline. Inheritance: Autosomal dominant inheritance.

GeneDx
Classification: Likely benign. Last evaluated: 2016-09-06. Review status: criteria provided, single submitter. Criteria: GeneDx Variant Classification (06012015). Collection method: clinical testing. Allele origin: germline. Affected: yes.
Comment: This variant is considered likely benign or benign based on one or more of the following criteria: it is a conservative change, it occurs at a poorly conserved position in the protein, it is predicted to be benign by multiple in silico algorithms, and/or has population frequency not consistent with disease.

PreventionGenetics, part of Exact Sciences
Classification: Likely benign for POLE-related condition. Last evaluated: 2020-01-21. Review status: no assertion criteria provided. Collection method: clinical testing. Allele origin: germline. Not counted in ClinVar's aggregate classification.
Comment: This variant is classified as likely benign based on ACMG/AMP sequence variant interpretation guidelines (Richards et al. 2015 PMID: 25741868, with internal and published modifications).

NM_006231.4(POLE):c.6657+8G>A

Gene: POLE (DNA polymerase epsilon, catalytic subunit; minus strand). Cytogenetic location: 12q24.33.
Variant type: single nucleotide variant.
Coding change: c.6657+8G>A on transcript NM_006231.4 (MANE Select); 8 bases into the intron after coding-DNA position 6657, G replaced by A.
Molecular consequence: intron variant.
Genome position (GRCh38, 1-based): chr12:132,625,637, C>T on the plus strand (G>A on the coding strand, the complement: POLE is on the minus strand). VCF-style: chr12-132625637-C-T. GRCh37 (hg19) VCF-style: chr12-133202223-C-T.
Identifiers: ClinVar variation 389167 (VCV000389167.14), dbSNP rs777791883, ClinGen allele CA6892112.
Genomic context (GRCh38, chr12:132,625,637, plus strand): 5'-TCCCGGGAGTGCACAGAAACCCCCCTGTGGACTCCAGGGCACACGGGCAGGCGGCATGCA[C>T]GACTCACCAGGTCCTGCAGGGTGAAGGCCATCAGCTTCTTCTGTAGAACTTCCACCAGCG-3'